The following is an entry in ClinVar:

ClinVar aggregate classification (germline): Pathogenic. Review status: reviewed by expert panel (3 of 4 stars). 4 submissions from 4 submitters: Pathogenic (1). 3 of the submissions do not count toward it. Last evaluated 2017-12-15.

Conditions:
Hereditary breast ovarian cancer syndrome. Also called: Breast and ovarian cancer; Hereditary breast and ovarian cancer; Hereditary breast and ovarian cancer syndrome; Hereditary breast and/or ovarian cancer syndrome; BRCA1- and BRCA2-Associated Hereditary Breast and Ovarian Cancer; Hereditary breast and ovarian cancer syndrome (HBOC). Identifiers: Orphanet 145, MedGen C0677776, MeSH D061325, MONDO:0003582. Disease mechanism: loss of function.
Breast-ovarian cancer, familial, susceptibility to, 1 (BROVCA1). Also called: BRCA1 Hereditary Breast and Ovarian Cancer; OVARIAN CANCER, SUSCEPTIBILITY TO. Identifiers: Orphanet 145, MedGen C2676676, MONDO:0011450, OMIM 604370. Disease mechanism: loss of function.
Hereditary cancer-predisposing syndrome. Also called: Tumor predisposition; Hereditary Cancer Syndrome; Neoplastic Syndromes, Hereditary; Hereditary neoplastic syndrome. Identifiers: Orphanet 140162, MedGen C0027672, MeSH D009386, MONDO:0015356.

Submissions (4):

Evidence-based Network for the Interpretation of Germline Mutant Alleles (ENIGMA)
Classification: Pathogenic for Breast-ovarian cancer, familial, susceptibility to, 1. Last evaluated: 2017-12-15. Review status: reviewed by expert panel. Criteria: ENIGMA BRCA1/2 Classification Criteria (2017-06-29). Collection method: curation. Allele origin: germline. Study: ENIGMA.
Comment: Variant allele predicted to encode a truncated non-functional protein.

Ambry Genetics
Classification: Pathogenic for Hereditary cancer-predisposing syndrome. Last evaluated: 2016-07-01. Review status: criteria provided, single submitter. Criteria: Ambry Variant Classification Scheme 2023. Collection method: clinical testing. Allele origin: germline. Not counted in ClinVar's aggregate classification.
Comment: The c.886delA pathogenic mutation, located in coding exon 9 of the BRCA1 gene, results from a deletion of one nucleotide at nucleotide position 886, causing a translational frameshift with a predicted alternate stop codon. Since frameshifts are typically deleterious in nature, this alteration is interpreted as a disease-causing mutation (ACMG Recommendations for Standards for Interpretation and Reporting of Sequence Variations. Revision 2007. Genet Med. 2008;10:294).

Molecular Genetics Laboratory, University of Michigan
Classification: Pathogenic for Breast-ovarian cancer, familial, susceptibility to, 1. Last evaluated: 2016-04-21. Review status: criteria provided, single submitter. Criteria: ACMG Guidelines, 2015. Collection method: clinical testing. Allele origin: germline. Affected: yes. Not counted in ClinVar's aggregate classification.

Research Molecular Genetics Laboratory, Women's College Hospital, University of Toronto
Classification: Pathogenic for Hereditary breast ovarian cancer syndrome. Last evaluated: 2014-01-31. Review status: no assertion criteria provided. Collection method: research. Allele origin: germline. Affected: yes. Study: The Canadian Open Genetics Repository (COGR). Not counted in ClinVar's aggregate classification.

NM_007294.4(BRCA1):c.886del (p.Arg296fs)

Gene: BRCA1 (BRCA1 DNA repair associated; minus strand). Cytogenetic location: 17q21.31.
Variant type: Deletion.
Coding change: c.886del on transcript NM_007294.4 (MANE Select); coding-DNA position 886, one base deleted (A; older notation c.886delA).
Protein change: p.Arg296fs; shifts the reading frame from arginine 296.
Molecular consequence: frameshift variant. On other transcripts: 5 prime UTR variant (2), intron variant (137).
Genome position (GRCh38, 1-based): chr17:43,094,645, T deleted on the plus strand (A on the coding strand, the reverse complement: BRCA1 is on the minus strand). VCF-style (leftmost placement, unchanged base first): chr17-43094644-CT-C. GRCh37 (hg19) VCF-style: chr17-41246661-CT-C.
Other names: c.673del, p.Arg225fs (NM_001407571.1, NM_001407853.1, NM_001407894.1 and 9 more transcripts); c.886del, p.Arg296fs (NM_001407581.1, NM_001407582.1, NM_001407583.1 and 30 more transcripts); c.883del, p.Arg295fs (NM_001407587.1, NM_001407590.1, NM_001407591.1 and 22 more transcripts); c.877del, p.Arg293fs (NM_001407646.1, NM_001407647.1); c.763del, p.Arg255fs (NM_001407648.1, NM_001407664.1, NM_001407665.1 and 19 more transcripts); c.760del, p.Arg254fs (NM_001407649.1, NM_001407670.1, NM_001407671.1 and 11 more transcripts); c.808del, p.Arg270fs (NM_001407653.1, NM_001407654.1, NM_001407655.1 and 4 more transcripts); c.805del, p.Arg269fs (NM_001407659.1, NM_001407660.1, NM_001407661.1 and 1 more transcripts); and 40 more; short protein forms R296fs, R249fs, R184fs, R225fs, R293fs, R208fs, R226fs, R229fs.
Identifiers: ClinVar variation 225727 (VCV000225727.7), dbSNP rs869320786, ClinGen allele CA10576089.
Genomic context (GRCh38, chr17:43,094,644, plus strand): 5'-CTCCTTGCTAAGCCAGGCTGTTTGCTTTTATTACAGAATTCAGCCTTTTCTACATTCATT[CT>C]GTCTTTAGTGAGTAATAAACTGCTGTTCTCATGCTGTAATGAGCTGGCATGAGTATTTGT-3'